The following is an entry in ClinVar:

ClinVar aggregate classification (germline): Uncertain significance (1 of 4 stars; one submission).

Conditions:
Immunodeficiency 23 (IMD23). Also called: IMMUNODEFICIENCY WITH HYPER IgE AND COGNITIVE IMPAIRMENT; IMMUNODEFICIENCY-VASCULITIS-MYOCLONUS SYNDROME. Identifiers: Orphanet 443811, MedGen C4014371, MONDO:0014353, OMIM 615816.

gnomAD v4.1: 2 of 1,534,664 alleles (0.00013%); highest among the groups gnomAD compares: Non-Finnish European, 0.000087%; no homozygotes.

Submission:

Labcorp Genetics (formerly Invitae), Labcorp
Classification: Uncertain significance for Immunodeficiency 23. Last evaluated: 2024-12-16. Review status: criteria provided, single submitter. Criteria: Invitae Variant Classification Sherloc (09022015). Collection method: clinical testing. Allele origin: germline.
Comment: This sequence change replaces glutamine, which is neutral and polar, with glutamic acid, which is acidic and polar, at codon 21 of the PGM3 protein (p.Gln21Glu). This variant is not present in population databases (gnomAD no frequency). This variant has not been reported in the literature in individuals affected with PGM3-related conditions. ClinVar contains an entry for this variant (Variation ID: 1912415). An algorithm developed to predict the effect of missense changes on protein structure and function (PolyPhen-2) suggests that this variant is likely to be tolerated. In summary, the available evidence is currently insufficient to determine the role of this variant in disease. Therefore, it has been classified as a Variant of Uncertain Significance.

NM_015599.3(PGM3):c.-2-194C>G

Gene: PGM3 (phosphoglucomutase 3; minus strand). Cytogenetic location: 6q14.1.
Variant type: single nucleotide variant.
Coding change: c.-2-194C>G on transcript NM_015599.3 (MANE Select); 194 bases into the intron before 2 bases upstream of the start codon, C replaced by G.
Molecular consequence: intron variant. On other transcripts: missense variant (2).
Genome position (GRCh38, 1-based): chr6:83,191,208, G>C on the plus strand (C>G on the coding strand, the complement: PGM3 is on the minus strand). VCF-style: chr6-83191208-G-C. GRCh37 (hg19) VCF-style: chr6-83900927-G-C.
Other names: c.61C>G, p.Gln21Glu (NM_001199917.2, NM_001367287.1); c.-40+1971C>G (NM_001199918.2); c.-2-194C>G (NM_001367286.1, NM_001199919.2); short protein forms Q21E.
Identifiers: ClinVar variation 1912415 (VCV001912415.5), dbSNP rs753019951, ClinGen allele CA364854462.
Genomic context (GRCh38, chr6:83,191,208, plus strand): 5'-GCAATGGGCAGGAGAGTAAGTCCTGTGGGTTAGAATTACCTACAAGATGTTGTCCAACTT[G>C]GTATGTCCACTCCTGGGCAGACTCAGGGCAGATAGCAGATTGTCCCCACTCTCCTCCCAT-3'